The following is an entry in ClinVar:

NM_006005.3(WFS1):c.2362G>T (p.Asp788Tyr)

Gene: WFS1 (wolframin ER transmembrane glycoprotein; plus strand). Cytogenetic location: 4p16.1.
Variant type: single nucleotide variant.
Coding change: c.2362G>T on transcript NM_006005.3 (MANE Select); coding-DNA position 2362, G replaced by T.
Protein change: p.Asp788Tyr; replaces aspartic acid 788 with tyrosine.
Molecular consequence: missense variant.
Genome position (GRCh38, 1-based): chr4:6,302,157, G>T. VCF-style: chr4-6302157-G-T. GRCh37 (hg19) VCF-style: chr4-6303884-G-T.
Other names: c.2362G>T, p.Asp788Tyr (NM_001145853.1); short protein forms D788Y.
Identifiers: ClinVar variation 3637015 (VCV003637015.2).

ClinVar aggregate classification (germline): Uncertain significance (1 of 4 stars; one submission).

Submission:

Labcorp Genetics (formerly Invitae), Labcorp
Classification: Uncertain significance. Last evaluated: 2024-10-29. Review status: criteria provided, single submitter. Criteria: Invitae Variant Classification Sherloc (09022015). Collection method: clinical testing. Allele origin: germline.
Comment: This sequence change replaces aspartic acid, which is acidic and polar, with tyrosine, which is neutral and polar, at codon 788 of the WFS1 protein (p.Asp788Tyr). This variant is not present in population databases (gnomAD no frequency). This variant has not been reported in the literature in individuals affected with WFS1-related conditions. Invitae Evidence Modeling of protein sequence and biophysical properties (such as structural, functional, and spatial information, amino acid conservation, physicochemical variation, residue mobility, and thermodynamic stability) indicates that this missense variant is not expected to disrupt WFS1 protein function with a negative predictive value of 95%. In summary, the available evidence is currently insufficient to determine the role of this variant in disease. Therefore, it has been classified as a Variant of Uncertain Significance.